The following is an entry in ClinVar:

ClinVar aggregate classification (germline): Conflicting classifications of pathogenicity. Review status: criteria provided, conflicting classifications (1 of 4 stars). 5 submissions from 5 submitters: Uncertain significance (1); Benign (1); Likely benign (2). 1 of the submissions does not count toward it. Last evaluated 2026-01-01.

Conditions:
Duchenne muscular dystrophy (DMD). Also called: MUSCULAR DYSTROPHY, PSEUDOHYPERTROPHIC PROGRESSIVE, DUCHENNE TYPE; Duchenne Muscular Dystrophy (DMD). Identifiers: Orphanet 98896, MedGen C0013264, MONDO:0010679, OMIM 310200.
Cardiovascular phenotype. Identifiers: MedGen CN230736.
Becker muscular dystrophy (BMD). Also called: MUSCULAR DYSTROPHY, PSEUDOHYPERTROPHIC PROGRESSIVE, BECKER TYPE; Becker Muscular Dystrophy (BMD). Identifiers: Orphanet 98895, MedGen C0917713, MONDO:0010311, OMIM 300376.
Cardiomyopathy (CMYO). Also called: Cardiomyopathies. Identifiers: Orphanet 167848, MedGen C0878544, MONDO:0004994, HP:0001638. Inheritance: Various modes of inheritance.
Dystrophin deficiency.

Allele frequency attached by ClinVar (database versions not stated): gnomAD exomes 0.00002; TOPMed 0.00002.
gnomAD v4.1: 14 of 1,209,148 alleles (0.0012%); highest among the groups gnomAD compares: Admixed American, 0.029%; no homozygotes.

Submissions (5):

CeGaT Center for Human Genetics Tuebingen
Classification: Likely benign. Last evaluated: 2026-01-01. Review status: criteria provided, single submitter. Criteria: CeGaT Center For Human Genetics Tuebingen Variant Classification Criteria Version 2. Collection method: clinical testing. Allele origin: germline. Affected: yes. Observed: 1 variant allele.
Comment: DMD: BP4, BP7

Labcorp Genetics (formerly Invitae), Labcorp
Classification: Benign for Duchenne muscular dystrophy. Last evaluated: 2025-12-15. Review status: criteria provided, single submitter. Criteria: Invitae Variant Classification Sherloc (09022015). Collection method: clinical testing. Allele origin: germline.

Ambry Genetics
Classification: Likely benign for Cardiovascular phenotype. Last evaluated: 2021-11-16. Review status: criteria provided, single submitter. Criteria: Ambry Variant Classification Scheme 2023. Collection method: clinical testing. Allele origin: germline.

Eurofins Ntd Llc (ga)
Classification: Uncertain significance. Last evaluated: 2017-07-05. Review status: criteria provided, single submitter. Criteria: EGL Classification Definitions 2015. Collection method: clinical testing. Allele origin: germline. Observed: 1 variant allele, 1 heterozygote.

Natera, Inc.
Classification: Likely benign for Becker muscular dystrophy; Cardiomyopathy; Duchenne muscular dystrophy; Dystrophin deficiency. Last evaluated: 2021-07-01. Review status: no assertion criteria provided. Collection method: clinical testing. Allele origin: germline. Not counted in ClinVar's aggregate classification.

NM_004006.3(DMD):c.579A>T (p.Thr193=)

Gene: DMD (dystrophin; minus strand). Cytogenetic location: Xp21.1.
Variant type: single nucleotide variant.
Coding change: c.579A>T on transcript NM_004006.3 (MANE Select); coding-DNA position 579, A replaced by T.
Protein change: p.Thr193=; no amino-acid change (threonine 193 retained).
Molecular consequence: synonymous variant.
Genome position (GRCh38, 1-based): chrX:32,809,563, T>A on the plus strand (A>T on the coding strand, the complement: DMD is on the minus strand). VCF-style: chrX-32809563-T-A. GRCh37 (hg19) VCF-style: chrX-32827680-T-A.
Other names: c.555A>T, p.Thr185= (NM_000109.4); c.567A>T, p.Thr189= (NM_004009.3); c.210A>T, p.Thr70= (NM_004010.3); c.579A>T (NM_004006.2).
Identifiers: ClinVar variation 593032 (VCV000593032.20), dbSNP rs766344083, ClinGen allele CA515865985.